The following is an entry in ClinVar:

ClinVar aggregate classification (germline): Uncertain significance (1 of 4 stars; one submission).

Conditions:
Pyogenic bacterial infections due to MyD88 deficiency (IMD68). Also called: PYOGENIC BACTERIAL INFECTIONS, RECURRENT, DUE TO MYD88 DEFICIENCY. Identifiers: Orphanet 183713, MedGen C2677092, MONDO:0012839, OMIM 612260.

Allele frequency attached by ClinVar (database versions not stated): gnomAD exomes below 0.00001.
gnomAD v4.1: 1 of 1,614,180 alleles (0.000062%); highest among the groups gnomAD compares: Non-Finnish European, 0.000085%; no homozygotes.

Submission:

Labcorp Genetics (formerly Invitae), Labcorp
Classification: Uncertain significance for Pyogenic bacterial infections due to MyD88 deficiency. Last evaluated: 2022-05-21. Review status: criteria provided, single submitter. Criteria: Invitae Variant Classification Sherloc (09022015). Collection method: clinical testing. Allele origin: germline.
Comment: In summary, the available evidence is currently insufficient to determine the role of this variant in disease. Therefore, it has been classified as a Variant of Uncertain Significance. Algorithms developed to predict the effect of missense changes on protein structure and function are either unavailable or do not agree on the potential impact of this missense change (SIFT: "Tolerated"; PolyPhen-2: "Probably Damaging"; Align-GVGD: "Class C0"). This variant has not been reported in the literature in individuals affected with MYD88-related conditions. This variant is not present in population databases (gnomAD no frequency). This sequence change replaces aspartic acid, which is acidic and polar, with asparagine, which is neutral and polar, at codon 247 of the MYD88 protein (p.Asp247Asn).

NM_002468.5(MYD88):c.700G>A (p.Asp234Asn)

Gene: MYD88 (MYD88 innate immune signal transduction adaptor; plus strand). Cytogenetic location: 3p22.2.
Variant type: single nucleotide variant.
Coding change: c.700G>A on transcript NM_002468.5 (MANE Select); coding-DNA position 700, G replaced by A.
Protein change: p.Asp234Asn; replaces aspartic acid 234 with asparagine.
Molecular consequence: missense variant. On other transcripts: synonymous variant (5).
Genome position (GRCh38, 1-based): chr3:38,140,812, G>A. VCF-style: chr3-38140812-G-A. GRCh37 (hg19) VCF-style: chr3-38182303-G-A.
Other names: c.384G>A, p.Val128= (NM_001172566.2); c.724G>A, p.Asp242Asn (NM_001172567.2); c.565G>A, p.Asp189Asn (NM_001172568.2); c.519G>A, p.Val173= (NM_001172569.3); c.681G>A, p.Val227= (NM_001365876.1); c.546G>A, p.Val182= (NM_001365877.1); c.657G>A, p.Val219= (NM_001374787.1); short protein forms D189N, D234N, D242N, D255N.
Identifiers: ClinVar variation 1997566 (VCV001997566.4), dbSNP rs2471604347, ClinGen allele CA352133719.